The following is an entry in ClinVar:

NM_015267.4(CUX2):c.2860C>T (p.Arg954Cys)

Gene: CUX2 (cut like homeobox 2; plus strand). Cytogenetic location: 12q24.12.
Variant type: single nucleotide variant.
Coding change: c.2860C>T on transcript NM_015267.4 (MANE Select); coding-DNA position 2860, C replaced by T.
Protein change: p.Arg954Cys; replaces arginine 954 with cysteine.
Molecular consequence: missense variant.
Genome position (GRCh38, 1-based): chr12:111,322,514, C>T. VCF-style: chr12-111322514-C-T. GRCh37 (hg19) VCF-style: chr12-111760318-C-T.
Other names: c.2674C>T, p.Arg892Cys (NM_001370598.1); short protein forms R892C, R954C.
Identifiers: ClinVar variation 3378086 (VCV003378086.4).

ClinVar aggregate classification (germline): Uncertain significance. Review status: criteria provided, multiple submitters, no conflicts (2 of 4 stars). 3 submissions from 3 submitters: Uncertain significance (3). Last evaluated 2026-01-21.

Conditions:
Inborn genetic diseases. Identifiers: MedGen C0950123, MeSH D030342.

Submissions (3):

Dasa
Classification: Uncertain significance. Last evaluated: 2026-01-21. Review status: criteria provided, single submitter. Criteria: DASA Assertion Criteria. Collection method: clinical testing. Allele origin: germline.
Comment: NM_015267.4(CUX2):c.2860C>T (p.Arg954Cys) is a missense variant that results in the substitution of arginine with cysteine. This variant is absent from population databases. Computational prediction algorithms are consistent with a deleterious effect. The currently available literature and clinical evidence are not sufficient to establish a definitive association between this variant and the reported condition. Therefore, this variant is classified as a variant of uncertain significance.

Ambry Genetics
Classification: Uncertain significance for Inborn genetic diseases. Last evaluated: 2025-01-26. Review status: criteria provided, single submitter. Criteria: Ambry Variant Classification Scheme 2023. Collection method: clinical testing. Allele origin: germline.

GeneDx
Classification: Uncertain significance. Last evaluated: 2024-05-16. Review status: criteria provided, single submitter. Criteria: GeneDx Variant Classification Process June 2021. Collection method: clinical testing. Allele origin: germline. Affected: yes.
Comment: Not observed at significant frequency in large population cohorts (gnomAD); In silico analysis supports that this missense variant has a deleterious effect on protein structure/function; Has not been previously published as pathogenic or benign to our knowledge